The following is an entry in ClinVar:

ClinVar aggregate classification (germline): Pathogenic. Review status: reviewed by expert panel (3 of 4 stars). 3 submissions from 3 submitters: Pathogenic (1). 2 of the submissions do not count toward it. Last evaluated 2023-08-04.

Conditions:
CDH1-related diffuse gastric and lobular breast cancer syndrome. Also called: CDH1-related diffuse gastric and lobular breast cancer. Identifiers: MedGen CN311521, MONDO:0100488.
Hereditary cancer-predisposing syndrome. Also called: Hereditary neoplastic syndrome; Hereditary Cancer Syndrome; Neoplastic Syndromes, Hereditary; Tumor predisposition. Identifiers: Orphanet 140162, MedGen C0027672, MeSH D009386, MONDO:0015356.

Submissions (3):

Clingen Gastric Cancer Variant Curation Expert Panel
Classification: Pathogenic for CDH1-related diffuse gastric and lobular breast cancer syndrome. Last evaluated: 2023-08-04. Review status: reviewed by expert panel. Criteria: ClinGen CDH1 ACMG Specifications V3.1. Collection method: curation. Allele origin: germline. Inheritance: Autosomal dominant inheritance.
Comment: The c.468G>A (p.Trp156Ter) variant is predicted to result in a premature stop codon that leads to nonsense mediate decay (PVS1 and PM5_supporting). The variant is absent in the gnomAD cohort (PM2_supporting). Therefore, this variant meets criteria to be classified as pathogenic based on the ACMG/AMP criteria applied as specified by the CDH1 Variant Curation Expert Panel (CDH1 VCEP specifications version 3.1): PVS1, PM2_supporting, PM5_supporting.

Ambry Genetics
Classification: Pathogenic for Hereditary cancer-predisposing syndrome. Last evaluated: 2023-04-21. Review status: criteria provided, single submitter. Criteria: Ambry Variant Classification Scheme 2023. Collection method: clinical testing. Allele origin: germline. Not counted in ClinVar's aggregate classification.
Comment: The p.W156* pathogenic mutation (also known as c.468G>A), located in coding exon 4 of the CDH1 gene, results from a G to A substitution at nucleotide position 468. This changes the amino acid from a tryptophan to a stop codon within coding exon 4. This variant is considered to be rare based on population cohorts in the Genome Aggregation Database (gnomAD). This alteration is expected to result in loss of function by premature protein truncation or nonsense-mediated mRNA decay. As such, this alteration is interpreted as a disease-causing mutation.

GeneDx
Classification: Likely pathogenic. Last evaluated: 2020-10-09. Review status: criteria provided, single submitter. Criteria: GeneDx Variant Classification Process June 2021. Collection method: clinical testing. Allele origin: germline. Affected: yes. Not counted in ClinVar's aggregate classification.
Comment: Nonsense variant predicted to result in protein truncation or nonsense mediated decay in a gene for which loss-of-function is a known mechanism of disease; Not observed in large population cohorts (Lek 2016); Has not been previously published as pathogenic or benign to our knowledge

NM_004360.5(CDH1):c.468G>A (p.Trp156Ter)

Gene: CDH1 (cadherin 1; plus strand). Cytogenetic location: 16q22.1.
Variant type: single nucleotide variant.
Coding change: c.468G>A on transcript NM_004360.5 (MANE Select); coding-DNA position 468, G replaced by A.
Protein change: p.Trp156Ter; replaces tryptophan 156 with a stop codon.
Molecular consequence: nonsense. On other transcripts: 5 prime UTR variant (2).
Genome position (GRCh38, 1-based): chr16:68,808,504, G>A. VCF-style: chr16-68808504-G-A. GRCh37 (hg19) VCF-style: chr16-68842407-G-A.
Other names: c.468G>A (LRG_301t1); c.468G>A, p.Trp156Ter (NM_001317184.2); c.-1148G>A (NM_001317185.2); c.-1352G>A (NM_001317186.2); short protein forms W156*.
Identifiers: ClinVar variation 234595 (VCV000234595.8), dbSNP rs876661107, ClinGen allele CA10577537.